The following is an entry in ClinVar:

NM_012470.4(TNPO3):c.1073A>G (p.Asp358Gly)

Gene: TNPO3 (transportin 3; minus strand). Cytogenetic location: 7q32.1.
Variant type: single nucleotide variant.
Coding change: c.1073A>G on transcript NM_012470.4 (MANE Select); coding-DNA position 1073, A replaced by G.
Protein change: p.Asp358Gly; replaces aspartic acid 358 with glycine.
Molecular consequence: missense variant. On other transcripts: non-coding transcript variant (17), intron variant (1).
Genome position (GRCh38, 1-based): chr7:128,997,474, T>C on the plus strand (A>G on the coding strand, the complement: TNPO3 is on the minus strand). VCF-style: chr7-128997474-T-C. GRCh37 (hg19) VCF-style: chr7-128637528-T-C.
Other names: c.929A>G, p.Asp310Gly (NM_001382221.1); c.1073A>G, p.Asp358Gly (NM_001382223.1, NM_001191028.3, NM_001382216.1 and 3 more transcripts); c.1011+2955A>G (NM_001382222.1); c.1073A>G (NM_012470.3); c.1154A>G, p.Asp385Gly (NM_001382217.1); short protein forms D385G, D310G, D358G.
Identifiers: ClinVar variation 1501210 (VCV001501210.7), dbSNP rs2150368323, ClinGen allele CA369235319.

ClinVar aggregate classification (germline): Uncertain significance. Review status: criteria provided, multiple submitters, no conflicts (2 of 4 stars). 2 submissions from 2 submitters: Uncertain significance (2). Last evaluated 2025-08-27.

Conditions:
Autosomal dominant limb-girdle muscular dystrophy type 1F (LGMDD2). Also called: MUSCULAR DYSTROPHY, LIMB-GIRDLE, AUTOSOMAL DOMINANT 2; Limb-girdle muscular dystrophy, type 1F. Identifiers: Orphanet 55595, MedGen C1842062, MONDO:0012034, OMIM 608423.
Inborn genetic diseases. Identifiers: MedGen C0950123, MeSH D030342.

gnomAD v4.1: 1 of 1,614,074 alleles (0.000062%); highest among the groups gnomAD compares: Non-Finnish European, 0.000085%; no homozygotes.

Submissions (2):

Labcorp Genetics (formerly Invitae), Labcorp
Classification: Uncertain significance for Autosomal dominant limb-girdle muscular dystrophy type 1F. Last evaluated: 2025-08-27. Review status: criteria provided, single submitter. Criteria: Invitae Variant Classification Sherloc (09022015). Collection method: clinical testing. Allele origin: germline.
Comment: This sequence change replaces aspartic acid, which is acidic and polar, with glycine, which is neutral and non-polar, at codon 358 of the TNPO3 protein (p.Asp358Gly). This variant is not present in population databases (gnomAD no frequency). This variant has not been reported in the literature in individuals affected with TNPO3-related conditions. ClinVar contains an entry for this variant (Variation ID: 1501210). Invitae Evidence Modeling of protein sequence and biophysical properties (such as structural, functional, and spatial information, amino acid conservation, physicochemical variation, residue mobility, and thermodynamic stability) indicates that this missense variant is not expected to disrupt TNPO3 protein function with a negative predictive value of 80%. In summary, the available evidence is currently insufficient to determine the role of this variant in disease. Therefore, it has been classified as a Variant of Uncertain Significance.

Ambry Genetics
Classification: Uncertain significance for Inborn genetic diseases. Last evaluated: 2025-02-12. Review status: criteria provided, single submitter. Criteria: Ambry Variant Classification Scheme 2023. Collection method: clinical testing. Allele origin: germline.